The following is an entry in ClinVar:

NM_058216.3(RAD51C):c.-35del

Gene: RAD51C (RAD51 paralog C; plus strand). Cytogenetic location: 17q22.
Variant type: Deletion.
Coding change: c.-35del on transcript NM_058216.3 (MANE Select); 35 bases upstream of the start codon, one base deleted (G; older notation c.-35delG).
Molecular consequence: 5 prime UTR variant. On other transcripts: non-coding transcript variant (2).
Genome position (GRCh38, 1-based): chr17:58,692,609, G deleted. VCF-style (leftmost placement, unchanged base first): chr17-58692608-AG-A. GRCh37 (hg19) VCF-style: chr17-56769969-AG-A.
Other names: c.-35del (NM_002876.4).
Identifiers: ClinVar variation 422269 (VCV000422269.1), dbSNP rs1064795669, ClinGen allele CA16620486.
Genomic context (GRCh38, chr17:58,692,608, plus strand): 5'-AGCCGGCCCCTTCCGCTTTACGTCTGACGTCACGCCGCACGCCCCAGCGAGGGCGTGCGG[AG>A]TTTGGCTGCTCCGGGGTTAGCAGGTGAGCCTGCGATGCGCGGGAAGACGTTCCGCTTTGA-3'

ClinVar aggregate classification (germline): Likely benign (1 of 4 stars; one submission).

Allele frequency attached by ClinVar (database versions not stated): gnomAD exomes below 0.00001 and 0.00001; gnomAD 0.00001; TOPMed 0.00001.

Submission:

GeneDx
Classification: Likely benign. Last evaluated: 2016-09-19. Review status: criteria provided, single submitter. Criteria: GeneDx Variant Classification (06012015). Collection method: clinical testing. Allele origin: germline. Affected: yes.
Comment: This variant is considered likely benign or benign based on one or more of the following criteria: it is a conservative change, it occurs at a poorly conserved position in the protein, it is predicted to be benign by multiple in silico algorithms, and/or has population frequency not consistent with disease.